The following is an entry in ClinVar:

NM_016474.5(CCDC174):c.1098C>T (p.Arg366=)

Gene: CCDC174 (coiled-coil domain containing 174; plus strand). Cytogenetic location: 3p25.1.
Variant type: single nucleotide variant.
Coding change: c.1098C>T on transcript NM_016474.5 (MANE Select); coding-DNA position 1098, C replaced by T.
Protein change: p.Arg366=; no amino-acid change (arginine 366 retained).
Molecular consequence: synonymous variant. On other transcripts: non-coding transcript variant (1).
Genome position (GRCh38, 1-based): chr3:14,670,079, C>T. VCF-style: chr3-14670079-C-T. GRCh37 (hg19) VCF-style: chr3-14711586-C-T.
Identifiers: ClinVar variation 715841 (VCV000715841.4), dbSNP rs139954564, ClinGen allele CA2270270.

ClinVar aggregate classification (germline): Likely benign. Review status: criteria provided, multiple submitters, no conflicts (2 of 4 stars). 2 submissions from 2 submitters: Likely benign (2). Last evaluated 2026-08-01.

Allele frequency attached by ClinVar (database versions not stated): TOPMed 0.00014; ExAC 0.00016; gnomAD exomes 0.00016 and 0.00021; gnomAD 0.00018 and 0.00019; ESP Exome Variant Server 0.00023.
gnomAD v4.1: 266 of 1,608,594 alleles (0.017%); highest among the groups gnomAD compares: Middle Eastern, 0.12%; no homozygotes.

Submissions (2):

CeGaT Center for Human Genetics Tuebingen
Classification: Likely benign. Last evaluated: 2026-08-01. Review status: criteria provided, single submitter. Criteria: CeGaT Center For Human Genetics Tuebingen Variant Classification Criteria Version 2. Collection method: clinical testing. Allele origin: germline. Affected: yes. Observed: 1 variant allele.
Comment: CCDC174: BP4, BP7

Labcorp Genetics (formerly Invitae), Labcorp
Classification: Likely benign. Last evaluated: 2018-04-12. Review status: criteria provided, single submitter. Criteria: Invitae Variant Classification Sherloc (09022015). Collection method: clinical testing. Allele origin: germline.